The following is an entry in ClinVar:

ClinVar aggregate classification (germline): Uncertain significance. Review status: criteria provided, multiple submitters, no conflicts (2 of 4 stars). 2 submissions from 2 submitters: Uncertain significance (2). Last evaluated 2025-12-02.

Conditions:
Inborn genetic diseases. Identifiers: MedGen C0950123, MeSH D030342.
46,XY sex reversal 9 (SRXY9). Also called: 46,XY SEX REVERSAL, ZFPM2-RELATED. Identifiers: Orphanet 251510, MedGen C4015129, MONDO:0014480, OMIM 616067.

Allele frequency attached by ClinVar (database versions not stated): ExAC 0.00004; gnomAD 0.00014; 1000 Genomes Project 30x 0.00016; 1000 Genomes Project 0.00020; TOPMed 0.00023.

Submissions (2):

Ambry Genetics
Classification: Uncertain significance for Inborn genetic diseases. Last evaluated: 2025-12-02. Review status: criteria provided, single submitter. Criteria: Ambry Variant Classification Scheme 2023. Collection method: clinical testing. Allele origin: germline.

Labcorp Genetics (formerly Invitae), Labcorp
Classification: Uncertain significance for 46,XY sex reversal 9. Last evaluated: 2024-10-30. Review status: criteria provided, single submitter. Criteria: Invitae Variant Classification Sherloc (09022015). Collection method: clinical testing. Allele origin: germline.
Comment: This sequence change replaces serine, which is neutral and polar, with glycine, which is neutral and non-polar, at codon 395 of the ZFPM2 protein (p.Ser395Gly). This variant is present in population databases (rs201091005, gnomAD 0.02%). This variant has not been reported in the literature in individuals affected with ZFPM2-related conditions. ClinVar contains an entry for this variant (Variation ID: 2719380). An algorithm developed to predict the effect of missense changes on protein structure and function outputs the following: PolyPhen-2: "Benign". The glycine amino acid residue is found in multiple mammalian species, which suggests that this missense change does not adversely affect protein function. In summary, the available evidence is currently insufficient to determine the role of this variant in disease. Therefore, it has been classified as a Variant of Uncertain Significance.

NM_012082.4(ZFPM2):c.1183A>G (p.Ser395Gly)

Genes: ZFPM2 (zinc finger protein, FOG family member 2; plus strand), ZFPM2-AS1 (ZFPM2 antisense RNA 1; minus strand). Cytogenetic location: 8q23.1.
Variant type: single nucleotide variant.
Coding change: c.1183A>G on transcript NM_012082.4 (MANE Select); coding-DNA position 1183, A replaced by G.
Protein change: p.Ser395Gly; replaces serine 395 with glycine.
Molecular consequence: missense variant.
Genome position (GRCh38, 1-based): chr8:105,801,265, A>G. VCF-style: chr8-105801265-A-G. GRCh37 (hg19) VCF-style: chr8-106813493-A-G.
Other names: c.1183A>G (NM_012082.3); c.1024A>G, p.Ser342Gly (NM_001362836.2); c.787A>G, p.Ser263Gly (NM_001362837.2); short protein forms S395G, S263G, S342G.
Identifiers: ClinVar variation 2719380 (VCV002719380.5), dbSNP rs201091005, ClinGen allele CA4839712.
Genomic context (GRCh38, chr8:105,801,265, plus strand): 5'-CAGAGGGAGTTATTGCAGCACCAGGAGCTCCATGTCCCTAGCGGCAAACTTCCCAGAGAA[A>G]GTGACATGGAACACTCTCCAAGTGCAACTGAAGACAGCTTACAGCCAGCCACAGACTTAT-3'
Protein context (NP_036214.2, residues 385-405): HVPSGKLPRE[Ser395Gly]DMEHSPSATE